The following is an entry in ClinVar:

ClinVar aggregate classification (germline): Pathogenic (1 of 4 stars; one submission).

Submission:

GeneDx
Classification: Pathogenic. Last evaluated: 2017-01-16. Review status: criteria provided, single submitter. Criteria: GeneDx Variant Classification (06012015). Collection method: clinical testing. Allele origin: germline. Affected: yes.
Comment: The c.720-2A>C variant in the PORCN gene has not been reported previously as a pathogenic variant nor as a benign variant, to our knowledge. This splice site variant destroys the canonical splice acceptor site in intron 7. It is predicted to cause abnormal gene splicing, either leading to an abnormal message that is subject to nonsense-mediated mRNA decay, or to an abnormal protein product if the message is used for protein translation. The c.720-2A>C variant was not observed in approximately 6500 individuals of European and African American ancestry in the NHLBI Exome Sequencing Project, indicating it is not a common benign variant in these populations. We interpret c.720-2A>C as a pathogenic variant.

NM_203475.3(PORCN):c.720-2A>C

Gene: PORCN (porcupine O-acyltransferase; plus strand). Cytogenetic location: Xp11.23.
Variant type: single nucleotide variant.
Coding change: c.720-2A>C on transcript NM_203475.3 (MANE Select); the canonical splice acceptor site of the intron before coding-DNA position 720, A replaced by C.
Molecular consequence: splice acceptor variant.
Genome position (GRCh38, 1-based): chrX:48,514,238, A>C. VCF-style: chrX-48514238-A-C. GRCh37 (hg19) VCF-style: chrX-48372626-A-C.
Other names: c.474-2A>C (NM_001282167.2); c.705-2A>C (NM_203473.3); c.687-2A>C (NM_022825.4); c.702-2A>C (NM_203474.1).
Identifiers: ClinVar variation 392684 (VCV000392684.2), dbSNP rs1057524593, ClinGen allele CA16608933.